The following is an entry in ClinVar:

NM_017649.5(CNNM2):c.1516G>A (p.Asp506Asn)

Gene: CNNM2 (cyclin and CBS domain divalent metal cation transport mediator 2; plus strand). Cytogenetic location: 10q24.32.
Variant type: single nucleotide variant.
Coding change: c.1516G>A on transcript NM_017649.5 (MANE Select); coding-DNA position 1516, G replaced by A.
Protein change: p.Asp506Asn; replaces aspartic acid 506 with asparagine.
Molecular consequence: missense variant.
Genome position (GRCh38, 1-based): chr10:102,919,996, G>A. VCF-style: chr10-102919996-G-A. GRCh37 (hg19) VCF-style: chr10-104679753-G-A.
Other names: c.1516G>A, p.Asp506Asn (NM_199076.3, NM_199077.3); short protein forms D506N.
Identifiers: ClinVar variation 4538929 (VCV004538929.1).

ClinVar aggregate classification (germline): Uncertain significance (1 of 4 stars; one submission).

Submission:

GeneDx
Classification: Uncertain significance. Last evaluated: 2025-06-18. Review status: criteria provided, single submitter. Criteria: GeneDx Variant Classification Process June 2021. Collection method: clinical testing. Allele origin: germline. Affected: yes.
Comment: Not observed at significant frequency in large population cohorts (gnomAD); In silico analysis supports that this missense variant has a deleterious effect on protein structure/function; Has not been previously published as pathogenic or benign to our knowledge